The following is an entry in ClinVar:

NM_024721.5(ZFHX4):c.8772T>C (p.Asn2924=)

Gene: ZFHX4 (zinc finger homeobox 4; plus strand). Cytogenetic location: 8q21.13.
Variant type: single nucleotide variant.
Coding change: c.8772T>C on transcript NM_024721.5 (MANE Select); coding-DNA position 8772, T replaced by C.
Protein change: p.Asn2924=; no amino-acid change (asparagine 2924 retained).
Molecular consequence: synonymous variant.
Genome position (GRCh38, 1-based): chr8:76,855,693, T>C. VCF-style: chr8-76855693-T-C. GRCh37 (hg19) VCF-style: chr8-77767929-T-C.
Other names: c.8694T>C, p.Asn2898= (NM_001410934.1).
Identifiers: ClinVar variation 3056977 (VCV003056977.3), dbSNP rs116855615, ClinGen allele CA4788238.

ClinVar aggregate classification (germline): Likely benign. Review status: criteria provided, single submitter (1 of 4 stars). 2 submissions from 2 submitters: Likely benign (1). 1 of the submissions does not count toward it. Last evaluated 2024-10-08.

Conditions:
ZFHX4-related disorder. Also called: ZFHX4-related condition.

Allele frequency attached by ClinVar (database versions not stated): ESP Exome Variant Server 0.00025; gnomAD exomes 0.00064; gnomAD 0.00102; TOPMed 0.00123; ExAC 0.00140; 1000 Genomes Project 30x 0.00375; 1000 Genomes Project 0.00399.
gnomAD v4.1: 1,080 of 1,613,884 alleles (0.067%); highest among the groups gnomAD compares: East Asian, 1.9%; 11 homozygotes.

Submissions (2):

Blueprint Genetics
Classification: Likely benign. Last evaluated: 2024-10-08. Review status: criteria provided, single submitter. Criteria: ACMG Guidelines, 2015. Collection method: clinical testing. Allele origin: germline.

PreventionGenetics, part of Exact Sciences
Classification: Benign for ZFHX4-related condition. Last evaluated: 2019-08-07. Review status: no assertion criteria provided. Collection method: clinical testing. Allele origin: germline. Not counted in ClinVar's aggregate classification.
Comment: This variant is classified as benign based on ACMG/AMP sequence variant interpretation guidelines (Richards et al. 2015 PMID: 25741868, with internal and published modifications).